The following is an entry in ClinVar:

NM_021815.5(SLC5A7):c.142G>A (p.Asp48Asn)

Gene: SLC5A7 (solute carrier family 5 member 7; plus strand). Cytogenetic location: 2q12.3.
Variant type: single nucleotide variant.
Coding change: c.142G>A on transcript NM_021815.5 (MANE Select); coding-DNA position 142, G replaced by A.
Protein change: p.Asp48Asn; replaces aspartic acid 48 with asparagine.
Molecular consequence: missense variant. On other transcripts: 5 prime UTR variant (1), intron variant (1).
Genome position (GRCh38, 1-based): chr2:107,988,297, G>A. VCF-style: chr2-107988297-G-A. GRCh37 (hg19) VCF-style: chr2-108604753-G-A.
Other names: c.142G>A, p.Asp48Asn (NM_001305005.3); c.-563G>A (NM_001305007.3); c.-138+1534G>A (NM_001305006.3); short protein forms D48N.
Identifiers: ClinVar variation 2198045 (VCV002198045.4), dbSNP rs759113125, ClinGen allele CA1818885.

ClinVar aggregate classification (germline): Uncertain significance (1 of 4 stars; one submission).

Conditions:
Neuronopathy, distal hereditary motor, type 7A. Also called: SPINAL MUSCULAR ATROPHY, DISTAL, WITH VOCAL CORD PARALYSIS; Neuronopathy, distal hereditary motor, type viia; HARPER-YOUNG MYOPATHY; HMN VIIA; NEURONOPATHY, DISTAL HEREDITARY MOTOR, HARDING TYPE VIIA; NEUROPATHY, DISTAL HEREDITARY MOTOR, HARDING TYPE VIIA. Identifiers: Orphanet 139589, MedGen C1834703, MONDO:0008024, OMIM 158580.
Congenital myasthenic syndrome 20. Also called: Myasthenic syndrome, congenital, 20, presynaptic. Identifiers: MedGen C4310694, MONDO:0014939, OMIM 617143.

Allele frequency attached by ClinVar (database versions not stated): gnomAD exomes below 0.00001; TOPMed 0.00001; ExAC 0.00004.
gnomAD v4.1: 6 of 1,614,064 alleles (0.00037%); highest among the groups gnomAD compares: East Asian, 0.011%; no homozygotes.

Submission:

Labcorp Genetics (formerly Invitae), Labcorp
Classification: Uncertain significance for Neuronopathy, distal hereditary motor, type 7A; Congenital myasthenic syndrome 20. Last evaluated: 2021-12-30. Review status: criteria provided, single submitter. Criteria: Invitae Variant Classification Sherloc (09022015). Collection method: clinical testing. Allele origin: germline.
Comment: In summary, the available evidence is currently insufficient to determine the role of this variant in disease. Therefore, it has been classified as a Variant of Uncertain Significance. Algorithms developed to predict the effect of missense changes on protein structure and function (SIFT, PolyPhen-2, Align-GVGD) all suggest that this variant is likely to be tolerated. This variant has not been reported in the literature in individuals affected with SLC5A7-related conditions. This variant is present in population databases (rs759113125, gnomAD 0.04%). This sequence change replaces aspartic acid, which is acidic and polar, with asparagine, which is neutral and polar, at codon 48 of the SLC5A7 protein (p.Asp48Asn).